The following is an entry in ClinVar:

NM_002335.4(LRP5):c.2883G>A (p.Pro961=)

Gene: LRP5 (LDL receptor related protein 5; plus strand). Cytogenetic location: 11q13.2.
Variant type: single nucleotide variant.
Coding change: c.2883G>A on transcript NM_002335.4 (MANE Select); coding-DNA position 2883, G replaced by A.
Protein change: p.Pro961=; no amino-acid change (proline 961 retained).
Molecular consequence: synonymous variant.
Genome position (GRCh38, 1-based): chr11:68,416,383, G>A. VCF-style: chr11-68416383-G-A. GRCh37 (hg19) VCF-style: chr11-68183851-G-A.
Other names: c.1140G>A, p.Pro380= (NM_001291902.2); c.2883G>A (NM_002335.3).
Identifiers: ClinVar variation 1146062 (VCV001146062.11), dbSNP rs150031686, ClinGen allele CA6149783.

ClinVar aggregate classification (germline): Likely benign. Review status: criteria provided, single submitter (1 of 4 stars). 2 submissions from 2 submitters: Likely benign (1). 1 of the submissions does not count toward it. Last evaluated 2025-11-26.

Conditions:
LRP5-related disorder. Also called: LRP5-related condition.

Allele frequency attached by ClinVar (database versions not stated): gnomAD exomes 0.00001 and 0.00004; ExAC 0.00007; ESP Exome Variant Server 0.00008; gnomAD 0.00009; TOPMed 0.00012; 1000 Genomes Project 30x 0.00016; 1000 Genomes Project 0.00020.
gnomAD v4.1: 40 of 1,614,134 alleles (0.0025%); highest among the groups gnomAD compares: African/African-American, 0.025%; no homozygotes.

Submissions (2):

Labcorp Genetics (formerly Invitae), Labcorp
Classification: Likely benign. Last evaluated: 2025-11-26. Review status: criteria provided, single submitter. Criteria: Invitae Variant Classification Sherloc (09022015). Collection method: clinical testing. Allele origin: germline.

PreventionGenetics, part of Exact Sciences
Classification: Likely benign for LRP5-related condition. Last evaluated: 2019-11-19. Review status: no assertion criteria provided. Collection method: clinical testing. Allele origin: germline. Not counted in ClinVar's aggregate classification.
Comment: This variant is classified as likely benign based on ACMG/AMP sequence variant interpretation guidelines (Richards et al. 2015 PMID: 25741868, with internal and published modifications).